The following is an entry in ClinVar:

ClinVar aggregate classification (germline): Benign/Likely benign. Review status: criteria provided, multiple submitters, no conflicts (2 of 4 stars). 9 submissions from 9 submitters: Benign (4); Likely benign (4). 1 of the submissions does not count toward it. Last evaluated 2026-01-24.

Conditions:
TSC2-related disorder. Also called: TSC2-related condition; TSC2-Related Disorders.
Hereditary cancer-predisposing syndrome. Also called: Neoplastic Syndromes, Hereditary; Tumor predisposition; Hereditary Cancer Syndrome; Hereditary neoplastic syndrome. Identifiers: Orphanet 140162, MedGen C0027672, MeSH D009386, MONDO:0015356.
Tuberous sclerosis syndrome (TSC). Also called: Tuberous Sclerosis Complex; Tuberous sclerosis. Identifiers: Orphanet 805, MedGen C0041341, MONDO:0001734.
Tuberous sclerosis 2 (TSC2). Identifiers: Orphanet 805, MedGen C1860707, MONDO:0013199, OMIM 613254.

Allele frequency attached by ClinVar (database versions not stated): gnomAD 0.00001; TOPMed 0.00002; ExAC 0.00003; gnomAD exomes 0.00004.
gnomAD v4.1: 36 of 1,612,770 alleles (0.0022%); highest among the groups gnomAD compares: Middle Eastern, 0.016%; no homozygotes.

Submissions (9):

Labcorp Genetics (formerly Invitae), Labcorp
Classification: Benign for Tuberous sclerosis 2. Last evaluated: 2026-01-24. Review status: criteria provided, single submitter. Criteria: Invitae Variant Classification Sherloc (09022015). Collection method: clinical testing. Allele origin: germline.

Myriad Genetics, Inc.
Classification: Benign for Tuberous sclerosis 2. Last evaluated: 2025-06-04. Review status: criteria provided, single submitter. Criteria: Myriad Autosomal Dominant, Autosomal Recessive and X-Linked Classification Criteria (2023). Collection method: clinical testing. Allele origin: unknown.
Comment: This variant is considered benign. This variant is a silent/synonymous amino acid change and it is not expected to impact splicing.

Women's Health and Genetics/Laboratory Corporation of America, LabCorp
Classification: Likely benign. Last evaluated: 2023-03-25. Review status: criteria provided, single submitter. Criteria: LabCorp Variant Classification Summary - May 2015. Collection method: clinical testing. Allele origin: germline.

Color Diagnostics, LLC DBA Color Health
Classification: Benign for Tuberous sclerosis syndrome. Last evaluated: 2022-10-20. Review status: criteria provided, single submitter. Criteria: ACMG Guidelines, 2015. Collection method: clinical testing. Allele origin: germline.

Blueprint Genetics
Classification: Likely benign. Last evaluated: 2022-04-01. Review status: criteria provided, single submitter. Criteria: ACMG Guidelines, 2015. Collection method: clinical testing. Allele origin: germline.

Genome-Nilou Lab
Classification: Benign for Tuberous sclerosis 2. Last evaluated: 2021-11-07. Review status: criteria provided, single submitter. Criteria: ACMG Guidelines, 2015. Collection method: clinical testing. Allele origin: germline. Affected: no.

GeneDx
Classification: Likely benign. Last evaluated: 2021-09-10. Review status: criteria provided, single submitter. Criteria: GeneDx Variant Classification Process June 2021. Collection method: clinical testing. Allele origin: germline. Affected: yes.
Comment: This variant is associated with the following publications: (PMID: 18818683)

Ambry Genetics
Classification: Likely benign for Hereditary cancer-predisposing syndrome. Last evaluated: 2016-05-09. Review status: criteria provided, single submitter. Criteria: Ambry Variant Classification Scheme 2023. Collection method: clinical testing. Allele origin: germline.

PreventionGenetics, part of Exact Sciences
Classification: Likely benign for TSC2-related condition. Last evaluated: 2022-03-10. Review status: no assertion criteria provided. Collection method: clinical testing. Allele origin: germline. Not counted in ClinVar's aggregate classification.
Comment: This variant is classified as likely benign based on ACMG/AMP sequence variant interpretation guidelines (Richards et al. 2015 PMID: 25741868, with internal and published modifications).

NM_000548.5(TSC2):c.4767G>A (p.Pro1589=)

Gene: TSC2 (TSC complex subunit 2; plus strand). Cytogenetic location: 16p13.3.
Variant type: single nucleotide variant.
Coding change: c.4767G>A on transcript NM_000548.5 (MANE Select); coding-DNA position 4767, G replaced by A.
Protein change: p.Pro1589=; no amino-acid change (proline 1589 retained).
Molecular consequence: synonymous variant.
Genome position (GRCh38, 1-based): chr16:2,086,297, G>A. VCF-style: chr16-2086297-G-A. GRCh37 (hg19) VCF-style: chr16-2136298-G-A.
Other names: c.4566G>A, p.Pro1522= (NM_001077183.3); c.4698G>A, p.Pro1566= (NM_001114382.3); c.4458G>A, p.Pro1486= (NM_001318827.2); c.4422G>A, p.Pro1474= (NM_001318829.2); c.4035G>A, p.Pro1345= (NM_001318831.2); c.4599G>A, p.Pro1533= (NM_001318832.2); c.4569G>A, p.Pro1523= (NM_001363528.2); c.4635G>A, p.Pro1545= (NM_001370404.1); and 2 more.
Identifiers: ClinVar variation 413662 (VCV000413662.27), dbSNP rs769246304, ClinGen allele CA052432.